The following is an entry in ClinVar:

NM_153000.5(APCDD1):c.189A>C (p.Ala63=)

Gene: APCDD1 (APC down-regulated 1; plus strand). Cytogenetic location: 18p11.22.
Variant type: single nucleotide variant.
Coding change: c.189A>C on transcript NM_153000.5 (MANE Select); coding-DNA position 189, A replaced by C.
Protein change: p.Ala63=; no amino-acid change (alanine 63 retained).
Molecular consequence: synonymous variant.
Genome position (GRCh38, 1-based): chr18:10,468,599, A>C. VCF-style: chr18-10468599-A-C. GRCh37 (hg19) VCF-style: chr18-10468596-A-C.
Other names: c.189A>C (NM_153000.4).
Identifiers: ClinVar variation 2046512 (VCV002046512.6), dbSNP rs35079028, ClinGen allele CA8890952.

ClinVar aggregate classification (germline): Benign. Review status: criteria provided, single submitter (1 of 4 stars). 2 submissions from 2 submitters: Benign (1). 1 of the submissions does not count toward it. Last evaluated 2025-12-20.

Conditions:
APCDD1-related disorder. Also called: APCDD1-related condition.

Allele frequency attached by ClinVar (database versions not stated): gnomAD exomes 0.00018; ExAC 0.00054; TOPMed 0.00170; gnomAD 0.00173; ESP Exome Variant Server 0.00208; 1000 Genomes Project 0.00260; 1000 Genomes Project 30x 0.00281.
gnomAD v4.1: 556 of 1,614,076 alleles (0.034%); highest among the groups gnomAD compares: African/African-American, 0.6%; 1 homozygote.

Submissions (2):

Labcorp Genetics (formerly Invitae), Labcorp
Classification: Benign. Last evaluated: 2025-12-20. Review status: criteria provided, single submitter. Criteria: Invitae Variant Classification Sherloc (09022015). Collection method: clinical testing. Allele origin: germline.

PreventionGenetics, part of Exact Sciences
Classification: Likely benign for APCDD1-related condition. Last evaluated: 2019-03-04. Review status: no assertion criteria provided. Collection method: clinical testing. Allele origin: germline. Not counted in ClinVar's aggregate classification.
Comment: This variant is classified as likely benign based on ACMG/AMP sequence variant interpretation guidelines (Richards et al. 2015 PMID: 25741868, with internal and published modifications).